The following is an entry in ClinVar:

NM_019594.4(LRRC8A):c.1609A>G (p.Ile537Val)

Gene: LRRC8A (leucine rich repeat containing 8 VRAC subunit A; plus strand). Cytogenetic location: 9q34.11.
Variant type: single nucleotide variant.
Coding change: c.1609A>G on transcript NM_019594.4 (MANE Select); coding-DNA position 1609, A replaced by G.
Protein change: p.Ile537Val; replaces isoleucine 537 with valine.
Molecular consequence: missense variant.
Genome position (GRCh38, 1-based): chr9:128,908,773, A>G. VCF-style: chr9-128908773-A-G. GRCh37 (hg19) VCF-style: chr9-131671052-A-G.
Other names: c.1609A>G, p.Ile537Val (NM_001127244.2, NM_001127245.2); short protein forms I537V.
Identifiers: ClinVar variation 3648359 (VCV003648359.2).

ClinVar aggregate classification (germline): Uncertain significance (1 of 4 stars; one submission).

gnomAD v4.1: 1 of 1,613,254 alleles (0.000062%); highest among the groups gnomAD compares: African/African-American, 0.0013%; no homozygotes.

Submission:

Labcorp Genetics (formerly Invitae), Labcorp
Classification: Uncertain significance. Last evaluated: 2024-04-01. Review status: criteria provided, single submitter. Criteria: Invitae Variant Classification Sherloc (09022015). Collection method: clinical testing. Allele origin: germline.
Comment: This sequence change replaces isoleucine, which is neutral and non-polar, with valine, which is neutral and non-polar, at codon 537 of the LRRC8A protein (p.Ile537Val). This variant is not present in population databases (gnomAD no frequency). This variant has not been reported in the literature in individuals affected with LRRC8A-related conditions. An algorithm developed to predict the effect of missense changes on protein structure and function (PolyPhen-2) suggests that this variant is likely to be tolerated. In summary, the available evidence is currently insufficient to determine the role of this variant in disease. Therefore, it has been classified as a Variant of Uncertain Significance.